The following is an entry in ClinVar:

NM_022095.4(ZNF335):c.3023C>G (p.Pro1008Arg)

Gene: ZNF335 (zinc finger protein 335; minus strand). Cytogenetic location: 20q13.12.
Variant type: single nucleotide variant.
Coding change: c.3023C>G on transcript NM_022095.4 (MANE Select); coding-DNA position 3023, C replaced by G.
Protein change: p.Pro1008Arg; replaces proline 1008 with arginine.
Molecular consequence: missense variant.
Genome position (GRCh38, 1-based): chr20:45,952,313, G>C on the plus strand (C>G on the coding strand, the complement: ZNF335 is on the minus strand). VCF-style: chr20-45952313-G-C. GRCh37 (hg19) VCF-style: chr20-44580952-G-C.
Other names: short protein forms P1008R.
Identifiers: ClinVar variation 3604446 (VCV003604446.2).
Genomic context (GRCh38, chr20:45,952,313, plus strand): 5'-AAGGCCTCGGCACAGATCTTGCAGGAAAACTTCTTTGATGCAGCAGTGGCTGCAGATGGC[G>C]GTGACGGGGGCACTGCCAGGCCCAGGGCTTTGCTGGTTGCAGGAGGTGAGGAGGCAGAGC-3'
Protein context (NP_071378.1, residues 998-1018): KALGLAVPPS[Pro1008Arg]PSAATAASKK

ClinVar aggregate classification (germline): Uncertain significance (1 of 4 stars; one submission).

Submission:

Labcorp Genetics (formerly Invitae), Labcorp
Classification: Uncertain significance. Last evaluated: 2025-12-02. Review status: criteria provided, single submitter. Criteria: Invitae Variant Classification Sherloc (09022015). Collection method: clinical testing. Allele origin: germline.
Comment: This sequence change replaces proline, which is neutral and non-polar, with arginine, which is basic and polar, at codon 1008 of the ZNF335 protein (p.Pro1008Arg). This variant is present in population databases (rs556571682, gnomAD 0.005%). This variant has not been reported in the literature in individuals affected with ZNF335-related conditions. ClinVar contains an entry for this variant (Variation ID: 3604446). Invitae Evidence Modeling of protein sequence and biophysical properties (such as structural, functional, and spatial information, amino acid conservation, physicochemical variation, residue mobility, and thermodynamic stability) indicates that this missense variant is not expected to disrupt ZNF335 protein function with a negative predictive value of 80%. In summary, the available evidence is currently insufficient to determine the role of this variant in disease. Therefore, it has been classified as a Variant of Uncertain Significance.